The following is an entry in ClinVar:

ClinVar aggregate classification (germline): Likely benign. Review status: criteria provided, single submitter (1 of 4 stars). 2 submissions from 2 submitters: Likely benign (1). 1 of the submissions does not count toward it. Last evaluated 2025-10-22.

Conditions:
Hyper-IgM syndrome type 5 (HIGM5). Also called: Hyper-IgM Immunodeficiency Syndrome, Type 5. Identifiers: Orphanet 101092, MedGen C1720958, MONDO:0011971, OMIM 608106.
UNG-related disorder. Also called: UNG-related condition.

Allele frequency attached by ClinVar (database versions not stated): gnomAD exomes 0.00004; gnomAD 0.00005 and 0.00006; ExAC 0.00006; TOPMed 0.00006; ESP Exome Variant Server 0.00023.

Submissions (3):

Labcorp Genetics (formerly Invitae), Labcorp
Classification: Likely benign for Hyper-IgM syndrome type 5. Last evaluated: 2025-10-22. Review status: criteria provided, single submitter. Criteria: Invitae Variant Classification Sherloc (09022015). Collection method: clinical testing. Allele origin: germline.

PreventionGenetics, part of Exact Sciences
Classification: Likely benign for UNG-related condition. Last evaluated: 2019-03-18. Review status: no assertion criteria provided. Collection method: clinical testing. Allele origin: germline. Not counted in ClinVar's aggregate classification.
Comment: This variant is classified as likely benign based on ACMG/AMP sequence variant interpretation guidelines (Richards et al. 2015 PMID: 25741868, with internal and published modifications).

Dr. Peter K. Rogan Lab, Western University
No classification provided (evidence only). Condition: Hepatocellular carcinoma. Review status: no classification provided. Collection method: in vitro. Allele origin: not applicable. Functional consequence: retained intron. Not counted in ClinVar's aggregate classification.

NM_080911.3(UNG):c.651G>A (p.Thr217=)

Gene: UNG (uracil DNA glycosylase; plus strand). Cytogenetic location: 12q24.11.
Variant type: single nucleotide variant.
Coding change: c.651G>A on transcript NM_080911.3 (MANE Select); coding-DNA position 651, G replaced by A.
Protein change: p.Thr217=; no amino-acid change (threonine 217 retained).
Molecular consequence: synonymous variant.
Genome position (GRCh38, 1-based): chr12:109,103,461, G>A. VCF-style: chr12-109103461-G-A. GRCh37 (hg19) VCF-style: chr12-109541266-G-A.
Other names: c.624G>A, p.Thr208= (NM_003362.4).
Identifiers: ClinVar variation 573856 (VCV000573856.13), dbSNP rs141783420, ClinGen allele CA6772726.